The following is an entry in ClinVar:

ClinVar aggregate classification (germline): Conflicting classifications of pathogenicity. Review status: criteria provided, conflicting classifications (1 of 4 stars). 3 submissions from 3 submitters: Uncertain significance (1); Benign (1); Likely benign (1). Last evaluated 2026-06-25.

Conditions:
GSR-related disorder. Also called: GSR-related condition.

Allele frequency attached by ClinVar (database versions not stated): gnomAD 0.00001 and 0.00017; TOPMed 0.00003; gnomAD exomes 0.00081; ExAC 0.00086; 1000 Genomes Project 0.00140; 1000 Genomes Project 30x 0.00172.
gnomAD v4.1: 576 of 1,592,572 alleles (0.036%); highest among the groups gnomAD compares: South Asian, 0.6%; 10 homozygotes.

Submissions (3):

PreventionGenetics, part of Exact Sciences
Classification: Likely benign for GSR-related condition. Last evaluated: 2026-06-25. Review status: criteria provided, single submitter. Criteria: ACMG Guidelines, 2015. Collection method: clinical testing. Allele origin: germline.
Comment: This variant is classified as likely benign based on ACMG/AMP sequence variant interpretation guidelines (Richards et al. 2015 PMID: 25741868, with internal and published modifications).

Labcorp Genetics (formerly Invitae), Labcorp
Classification: Benign. Last evaluated: 2025-02-06. Review status: criteria provided, single submitter. Criteria: Invitae Variant Classification Sherloc (09022015). Collection method: clinical testing. Allele origin: germline.

Mayo Clinic Laboratories, Mayo Clinic
Classification: Uncertain significance. Last evaluated: 2020-11-17. Review status: criteria provided, single submitter. Criteria: ACMG Guidelines, 2015. Collection method: clinical testing. Allele origin: germline. Observed: 1 variant allele.

NM_000637.5(GSR):c.882+6G>A

Gene: GSR (glutathione-disulfide reductase; minus strand). Cytogenetic location: 8p12.
Variant type: single nucleotide variant.
Coding change: c.882+6G>A on transcript NM_000637.5 (MANE Select); 6 bases into the intron after coding-DNA position 882, G replaced by A.
Molecular consequence: intron variant.
Genome position (GRCh38, 1-based): chr8:30,692,963, C>T on the plus strand (G>A on the coding strand, the complement: GSR is on the minus strand). VCF-style: chr8-30692963-C-T. GRCh37 (hg19) VCF-style: chr8-30550480-C-T.
Other names: c.795+3417G>A (NM_001195104.3, NM_001195102.3); c.882+6G>A (NM_001195103.3).
Identifiers: ClinVar variation 795899 (VCV000795899.14), dbSNP rs558898648, ClinGen allele CA4701359.